The following is an entry in ClinVar:

NM_001001433.3(STX16):c.*2183G>A

Genes: STX16 (syntaxin 16; plus strand), STX16-NPEPL1 (STX16-NPEPL1 readthrough (NMD candidate); plus strand). Cytogenetic location: 20q13.32.
Variant type: single nucleotide variant.
Coding change: c.*2183G>A on transcript NM_001001433.3 (MANE Select); 2183 bases downstream of the stop codon, G replaced by A.
Molecular consequence: 3 prime UTR variant. On other transcripts: non-coding transcript variant (3).
Genome position (GRCh38, 1-based): chr20:58,678,474, G>A. VCF-style: chr20-58678474-G-A. GRCh37 (hg19) VCF-style: chr20-57253530-G-A.
Other names: c.*2183G>A (NM_001134772.3, NM_001134773.3, NM_001204868.2 and 1 more transcripts).
Identifiers: ClinVar variation 339093 (VCV000339093.5), dbSNP rs147429412, ClinGen allele CA10650077.
Genomic context (GRCh38, chr20:58,678,474, plus strand): 5'-GGCCAAGGCGGTCACGAGGTCAGGAGTTCGAGACCAGCCTAGCCAACATGGTGAAACCCC[G>A]TCTCTACAAAAAATACAAAAATTAGCCGGGTGGGACACGCCTGTAATCCCAGCTACTCAA-3'

ClinVar aggregate classification (germline): Benign (1 of 4 stars; one submission).

Conditions:
Pseudohypoparathyroidism type 1B (PHP1B). Also called: PHP IB; Pseudohypoparathyroidism Ib (PHP-Ib); Pseudohypoparathyroidism Type IB. Identifiers: Orphanet 94089, MedGen C1864100, MONDO:0011301, OMIM 603233.

Allele frequency attached by ClinVar (database versions not stated): gnomAD 0.00329 and 0.00330; TOPMed 0.00349; 1000 Genomes Project 0.00439; 1000 Genomes Project 30x 0.00468.

Submission:

Illumina Laboratory Services, Illumina
Classification: Benign for Pseudohypoparathyroidism type 1B. Last evaluated: 2018-01-13. Review status: criteria provided, single submitter. Criteria: ICSL Variant Classification Criteria 13 December 2019. Collection method: clinical testing. Allele origin: germline.
Comment: This variant was observed in the ICSL laboratory as part of a predisposition screen in an ostensibly healthy population. It had not been previously curated by ICSL or reported in the Human Gene Mutation Database (HGMD: prior to June 1st, 2018), and was therefore a candidate for classification through an automated scoring system. Utilizing variant allele frequency, disease prevalence and penetrance estimates, and inheritance mode, an automated score was calculated to assess if this variant is too frequent to cause the disease. Based on the score and internal cut-off values, a variant classified as benign is not then subjected to further curation. The score for this variant resulted in a classification of benign for this disease.